The following is an entry in ClinVar:

NM_014000.3(VCL):c.2035G>T (p.Ala679Ser)

Gene: VCL (vinculin; plus strand). Cytogenetic location: 10q22.2.
Variant type: single nucleotide variant.
Coding change: c.2035G>T on transcript NM_014000.3 (MANE Select); coding-DNA position 2035, G replaced by T.
Protein change: p.Ala679Ser; replaces alanine 679 with serine.
Molecular consequence: missense variant.
Genome position (GRCh38, 1-based): chr10:74,103,832, G>T. VCF-style: chr10-74103832-G-T. GRCh37 (hg19) VCF-style: chr10-75863590-G-T.
Other names: c.2035G>T, p.Ala679Ser (NM_003373.4); short protein forms A679S.
Identifiers: ClinVar variation 523618 (VCV000523618.13), dbSNP rs375392559, ClinGen allele CA5563157.

ClinVar aggregate classification (germline): Uncertain significance. Review status: criteria provided, multiple submitters, no conflicts (2 of 4 stars). 3 submissions from 3 submitters: Uncertain significance (3). Last evaluated 2023-02-18.

Conditions:
Dilated cardiomyopathy 1W (CMD1W). Identifiers: Orphanet 154, MedGen C1969639, MONDO:0012667, OMIM 611407.
Cardiovascular phenotype. Identifiers: MedGen CN230736.
Primary dilated cardiomyopathy (DCM). Also called: Dilated Cardiomyopathy. Identifiers: Orphanet 217604, MedGen C0007193, MeSH D002311, MONDO:0005021, HP:0001644. Inheritance: Various modes of inheritance.

Allele frequency attached by ClinVar (database versions not stated): ExAC 0.00001; ESP Exome Variant Server 0.00008.

Submissions (3):

Labcorp Genetics (formerly Invitae), Labcorp
Classification: Uncertain significance for Dilated cardiomyopathy 1W. Last evaluated: 2023-02-18. Review status: criteria provided, single submitter. Criteria: Invitae Variant Classification Sherloc (09022015). Collection method: clinical testing. Allele origin: germline.
Comment: This sequence change replaces alanine, which is neutral and non-polar, with serine, which is neutral and polar, at codon 679 of the VCL protein (p.Ala679Ser). This variant is present in population databases (rs375392559, gnomAD 0.007%). This variant has not been reported in the literature in individuals affected with VCL-related conditions. ClinVar contains an entry for this variant (Variation ID: 523618). An algorithm developed to predict the effect of missense changes on protein structure and function (PolyPhen-2) suggests that this variant is likely to be disruptive. Algorithms developed to predict the effect of sequence changes on RNA splicing suggest that this variant may create or strengthen a splice site. In summary, the available evidence is currently insufficient to determine the role of this variant in disease. Therefore, it has been classified as a Variant of Uncertain Significance.

Ambry Genetics
Classification: Uncertain significance for Cardiovascular phenotype. Last evaluated: 2022-12-12. Review status: criteria provided, single submitter. Criteria: Ambry Variant Classification Scheme 2023. Collection method: clinical testing. Allele origin: germline.
Comment: The p.A679S variant (also known as c.2035G>T), located in coding exon 15 of the VCL gene, results from a G to T substitution at nucleotide position 2035. The alanine at codon 679 is replaced by serine, an amino acid with similar properties. This amino acid position is conserved. In addition, the in silico prediction for this alteration is inconclusive. Since supporting evidence is limited at this time, the clinical significance of this alteration remains unclear.

Center of Genomic medicine, Geneva, University Hospital of Geneva
Classification: Uncertain significance for Primary dilated cardiomyopathy. Last evaluated: 2017-07-25. Review status: criteria provided, single submitter. Criteria: ACMG Guidelines, 2015. Collection method: clinical testing. Allele origin: germline. Affected: yes.